The following is an entry in ClinVar:

ClinVar aggregate classification (germline): Uncertain significance. Review status: criteria provided, multiple submitters, no conflicts (2 of 4 stars). 2 submissions from 2 submitters: Uncertain significance (2). Last evaluated 2025-05-14.

Conditions:
Primary dilated cardiomyopathy (DCM). Also called: Dilated Cardiomyopathy. Identifiers: Orphanet 217604, MedGen C0007193, MeSH D002311, MONDO:0005021, HP:0001644. Inheritance: Various modes of inheritance.

Allele frequency attached by ClinVar (database versions not stated): gnomAD exomes below 0.00001.

Submissions (2):

Labcorp Genetics (formerly Invitae), Labcorp
Classification: Uncertain significance for Primary dilated cardiomyopathy. Last evaluated: 2025-05-14. Review status: criteria provided, single submitter. Criteria: Invitae Variant Classification Sherloc (09022015). Collection method: clinical testing. Allele origin: germline.
Comment: This sequence change replaces proline, which is neutral and non-polar, with serine, which is neutral and polar, at codon 986 of the NEBL protein (p.Pro986Ser). This variant is not present in population databases (gnomAD no frequency). This variant has not been reported in the literature in individuals affected with NEBL-related conditions. ClinVar contains an entry for this variant (Variation ID: 3225573). An algorithm developed to predict the effect of missense changes on protein structure and function (PolyPhen-2) suggests that this variant is likely to be disruptive. In summary, the available evidence is currently insufficient to determine the role of this variant in disease. Therefore, it has been classified as a Variant of Uncertain Significance.

Ambry Genetics
Classification: Uncertain significance. Last evaluated: 2023-12-29. Review status: criteria provided, single submitter. Criteria: Ambry Variant Classification Scheme 2023. Collection method: clinical testing. Allele origin: germline.
Comment: The p.P986S variant (also known as c.2956C>T), located in coding exon 28 of the NEBL gene, results from a C to T substitution at nucleotide position 2956. The proline at codon 986 is replaced by serine, an amino acid with similar properties. This amino acid position is conserved. In addition, this alteration is predicted to be tolerated by in silico analysis. Since supporting evidence is limited at this time, the clinical significance of this alteration remains unclear.

NM_006393.3(NEBL):c.2956C>T (p.Pro986Ser)

Gene: NEBL (nebulette; minus strand). Cytogenetic location: 10p12.31.
Variant type: single nucleotide variant.
Coding change: c.2956C>T on transcript NM_006393.3 (MANE Select); coding-DNA position 2956, C replaced by T.
Protein change: p.Pro986Ser; replaces proline 986 with serine.
Molecular consequence: missense variant. On other transcripts: 3 prime UTR variant (1).
Genome position (GRCh38, 1-based): chr10:20,785,836, G>A on the plus strand (C>T on the coding strand, the complement: NEBL is on the minus strand). VCF-style: chr10-20785836-G-A. GRCh37 (hg19) VCF-style: chr10-21074765-G-A.
Other names: c.*47C>T (NM_001173484.2); c.817C>T, p.Pro273Ser (NM_001377322.1); c.676C>T, p.Pro226Ser (NM_001377323.1); c.667C>T, p.Pro223Ser (NM_001377324.1); c.658C>T, p.Pro220Ser (NM_001377325.1); c.616C>T, p.Pro206Ser (NM_001377326.1, NM_001377327.1, NM_001377328.1); c.724C>T, p.Pro242Ser (NM_213569.2); short protein forms P206S, P220S, P223S, P226S, P242S, P273S, P986S.
Identifiers: ClinVar variation 3225573 (VCV003225573.2), dbSNP rs2491366972, ClinGen allele CA376092175.
Genomic context (GRCh38, chr10:20,785,836, plus strand): 5'-GGAGCATTCCTGTTCTCCCTGTTCTCTGCACTGTGCCGTACATCCAGCCATCGTCAATAG[G>A]CTGCACGTTGACGATGTAGTCGCCGTCTCTAAAGGAGACCTCGTCTTCATCCTGGGCACT-3'
Protein context (NP_006384.1, residues 976-996): RDGDYIVNVQ[Pro986Ser]IDDGWMYGTV